The following is an entry in ClinVar:

NM_024675.4(PALB2):c.3202-83G>C

Gene: PALB2 (partner and localizer of BRCA2; minus strand). Cytogenetic location: 16p12.2.
Variant type: single nucleotide variant.
Coding change: c.3202-83G>C on transcript NM_024675.4 (MANE Select); 83 bases into the intron before coding-DNA position 3202, G replaced by C.
Molecular consequence: intron variant.
Genome position (GRCh38, 1-based): chr16:23,608,095, C>G on the plus strand (G>C on the coding strand, the complement: PALB2 is on the minus strand). VCF-style: chr16-23608095-C-G. GRCh37 (hg19) VCF-style: chr16-23619416-C-G.
Identifiers: ClinVar variation 675487 (VCV000675487.1), dbSNP rs77090069, ClinGen allele CA279527678.

ClinVar aggregate classification (germline): Likely benign (1 of 4 stars; one submission).

Allele frequency attached by ClinVar (database versions not stated): gnomAD exomes 0.00063; 1000 Genomes Project 30x 0.00593; 1000 Genomes Project 0.00619; gnomAD 0.00664 and 0.00711; TOPMed 0.00765.

Submission:

GeneDx
Classification: Likely benign. Last evaluated: 2018-06-18. Review status: criteria provided, single submitter. Criteria: GeneDx Variant Classification (06012015). Collection method: clinical testing. Allele origin: germline. Affected: yes.
Comment: This variant is considered likely benign or benign based on one or more of the following criteria: it is a conservative change, it occurs at a poorly conserved position in the protein, it is predicted to be benign by multiple in silico algorithms, and/or has population frequency not consistent with disease.